The following is an entry in ClinVar:

ClinVar aggregate classification (germline): Uncertain significance (1 of 4 stars; one submission).

Conditions:
SLC35A2-congenital disorder of glycosylation. Also called: EPILEPTIC ENCEPHALOPATHY, EARLY INFANTILE, 22; CONGENITAL DISORDER OF GLYCOSYLATION, TYPE IIm; CDG IIm; CONGENITAL DISORDER OF GLYCOSYLATION, TYPE IIm, SOMATIC MOSAIC; DEVELOPMENTAL AND EPILEPTIC ENCEPHALOPATHY 22; SLC35A2-CDG. Identifiers: Orphanet 356961, MedGen C3806688, MONDO:0010478, OMIM 300896.

Submission:

Labcorp Genetics (formerly Invitae), Labcorp
Classification: Uncertain significance for SLC35A2-congenital disorder of glycosylation. Last evaluated: 2024-06-24. Review status: criteria provided, single submitter. Criteria: Invitae Variant Classification Sherloc (09022015). Collection method: clinical testing. Allele origin: germline.
Comment: This sequence change replaces alanine, which is neutral and non-polar, with threonine, which is neutral and polar, at codon 170 of the SLC35A2 protein (p.Ala170Thr). This variant is not present in population databases (gnomAD no frequency). This variant has not been reported in the literature in individuals affected with SLC35A2-related conditions. Advanced modeling of protein sequence and biophysical properties (such as structural, functional, and spatial information, amino acid conservation, physicochemical variation, residue mobility, and thermodynamic stability) has been performed at Invitae for this missense variant, however the output from this modeling did not meet the statistical confidence thresholds required to predict the impact of this variant on SLC35A2 protein function. In summary, the available evidence is currently insufficient to determine the role of this variant in disease. Therefore, it has been classified as a Variant of Uncertain Significance.

NM_005660.3(SLC35A2):c.508G>A (p.Ala170Thr)

Gene: SLC35A2 (solute carrier family 35 member A2; minus strand). Cytogenetic location: Xp11.23.
Variant type: single nucleotide variant.
Coding change: c.508G>A on transcript NM_005660.3 (MANE Select); coding-DNA position 508, G replaced by A.
Protein change: p.Ala170Thr; replaces alanine 170 with threonine.
Molecular consequence: missense variant. On other transcripts: intron variant (3).
Genome position (GRCh38, 1-based): chrX:48,905,401, C>T on the plus strand (G>A on the coding strand, the complement: SLC35A2 is on the minus strand). VCF-style: chrX-48905401-C-T. GRCh37 (hg19) VCF-style: chrX-48762678-C-T.
Other names: c.508G>A, p.Ala170Thr (NM_001042498.3); c.325G>A, p.Ala109Thr (NM_001282649.2); c.547G>A, p.Ala183Thr (NM_001282650.2); c.592G>A, p.Ala198Thr (NM_001282651.2); c.427-509G>A (NM_001282647.2, NM_001032289.3); c.355-509G>A (NM_001282648.2); short protein forms A109T, A170T, A183T, A198T.
Identifiers: ClinVar variation 3656408 (VCV003656408.2).